The following is an entry in ClinVar:

ClinVar aggregate classification (germline): Uncertain significance. Review status: criteria provided, multiple submitters, no conflicts (2 of 4 stars). 2 submissions from 2 submitters: Uncertain significance (2). Last evaluated 2025-04-17.

Conditions:
TRPC5-related disorder. Also called: TRPC5-related condition.

gnomAD v4.1: 18 of 1,198,648 alleles (0.0015%); highest among the groups gnomAD compares: Non-Finnish European, 0.0018%; no homozygotes.

Submissions (2):

PreventionGenetics, part of Exact Sciences
Classification: Uncertain significance for TRPC5-related condition. Last evaluated: 2025-04-17. Review status: criteria provided, single submitter. Criteria: ACMG Guidelines, 2015. Collection method: clinical testing. Allele origin: germline.
Comment: The TRPC5 c.2317A>T variant is predicted to result in the amino acid substitution p.Ser773Cys. To our knowledge, this variant has not been reported in the literature. This variant is reported in 0.0013% of alleles in individuals of European (Non-Finnish) descent in gnomAD. At this time, the clinical significance of this variant is uncertain due to the absence of conclusive functional and genetic evidence.

Ambry Genetics
Classification: Uncertain significance. Last evaluated: 2025-04-12. Review status: criteria provided, single submitter. Criteria: Ambry Variant Classification Scheme 2023. Collection method: clinical testing. Allele origin: germline.

NM_012471.3(TRPC5):c.2317A>T (p.Ser773Cys)

Gene: TRPC5 (transient receptor potential cation channel subfamily C member 5; minus strand). Cytogenetic location: Xq23.
Variant type: single nucleotide variant.
Coding change: c.2317A>T on transcript NM_012471.3 (MANE Select); coding-DNA position 2317, A replaced by T.
Protein change: p.Ser773Cys; replaces serine 773 with cysteine.
Molecular consequence: missense variant.
Genome position (GRCh38, 1-based): chrX:111,776,918, T>A on the plus strand (A>T on the coding strand, the complement: TRPC5 is on the minus strand). VCF-style: chrX-111776918-T-A. GRCh37 (hg19) VCF-style: chrX-111020146-T-A.
Other names: short protein forms S773C.
Identifiers: ClinVar variation 3974147 (VCV003974147.2).